The following is an entry in ClinVar:

NM_001040108.2(MLH3):c.1622T>C (p.Ile541Thr)

Gene: MLH3 (mutL homolog 3; minus strand). Cytogenetic location: 14q24.3.
Variant type: single nucleotide variant.
Coding change: c.1622T>C on transcript NM_001040108.2 (MANE Select); coding-DNA position 1622, T replaced by C.
Protein change: p.Ile541Thr; replaces isoleucine 541 with threonine.
Molecular consequence: missense variant.
Genome position (GRCh38, 1-based): chr14:75,048,034, A>G on the plus strand (T>C on the coding strand, the complement: MLH3 is on the minus strand). VCF-style: chr14-75048034-A-G. GRCh37 (hg19) VCF-style: chr14-75514737-A-G.
Other names: c.1622T>C, p.Ile541Thr (NM_014381.3); short protein forms I541T.
Identifiers: ClinVar variation 650906 (VCV000650906.11), dbSNP rs1594780468, ClinGen allele CA390444816.

ClinVar aggregate classification (germline): Uncertain significance. Review status: criteria provided, multiple submitters, no conflicts (2 of 4 stars). 2 submissions from 2 submitters: Uncertain significance (2). Last evaluated 2025-02-25.

Conditions:
Colorectal cancer, hereditary nonpolyposis, type 7. Identifiers: Orphanet 144, MedGen C1858380, MONDO:0013725, OMIM 614385.

gnomAD v4.1: 2 of 1,613,676 alleles (0.00012%); highest among the groups gnomAD compares: Non-Finnish European, 0.00017%; no homozygotes.

Submissions (2):

Labcorp Genetics (formerly Invitae), Labcorp
Classification: Uncertain significance for Colorectal cancer, hereditary nonpolyposis, type 7. Last evaluated: 2025-02-25. Review status: criteria provided, single submitter. Criteria: Invitae Variant Classification Sherloc (09022015). Collection method: clinical testing. Allele origin: germline.
Comment: This sequence change replaces isoleucine, which is neutral and non-polar, with threonine, which is neutral and polar, at codon 541 of the MLH3 protein (p.Ile541Thr). This variant is not present in population databases (gnomAD no frequency). This variant has not been reported in the literature in individuals affected with MLH3-related conditions. ClinVar contains an entry for this variant (Variation ID: 650906). An algorithm developed to predict the effect of missense changes on protein structure and function (PolyPhen-2) suggests that this variant is likely to be tolerated. In summary, the available evidence is currently insufficient to determine the role of this variant in disease. Therefore, it has been classified as a Variant of Uncertain Significance.

Ambry Genetics
Classification: Uncertain significance. Last evaluated: 2021-02-19. Review status: criteria provided, single submitter. Criteria: Ambry Variant Classification Scheme 2023. Collection method: clinical testing. Allele origin: germline.
Comment: The p.I541T variant (also known as c.1622T>C), located in coding exon 1 of the MLH3 gene, results from a T to C substitution at nucleotide position 1622. The isoleucine at codon 541 is replaced by threonine, an amino acid with similar properties. This amino acid position is not well conserved in available vertebrate species. In addition, this alteration is predicted to be tolerated by in silico analysis. Since supporting evidence is limited at this time, the clinical significance of this alteration remains unclear.